The following is an entry in ClinVar:

NM_007294.4(BRCA1):c.3762_3763del (p.Asn1255fs)

Genes: BRCA1 (BRCA1 DNA repair associated; minus strand), LOC126862571 (BRD4-independent group 4 enhancer GRCh37_chr17:41243136-41244335; plus strand). Cytogenetic location: 17q21.31.
Variant type: Deletion.
Coding change: c.3762_3763del on transcript NM_007294.4 (MANE Select); coding-DNA positions 3762 to 3763, 2 bases deleted (GA; older notation c.3762_3763delGA).
Protein change: p.Asn1255fs; shifts the reading frame from asparagine 1255.
Molecular consequence: frameshift variant. On other transcripts: intron variant (135).
Genome position (GRCh38, 1-based): chr17:43,091,768-43,091,769, TC deleted on the plus strand (GA on the coding strand, the reverse complement: BRCA1 is on the minus strand); deleting any 2 consecutive bases within chr17:43,091,768-43,091,770 gives the same sequence; the c. name uses the placement nearest the transcript's 3' end. VCF-style (leftmost placement, unchanged base first): chr17-43091767-TTC-T. GRCh37 (hg19) VCF-style: chr17-41243784-TTC-T.
Other names: 3880delAG; c.3762_3763del, p.Asn1255fs (NM_001407617.1, NM_001407618.1, NM_001407619.1 and 30 more transcripts); c.3759_3760del, p.Asn1254fs (NM_001407627.1, NM_001407628.1, NM_001407629.1 and 22 more transcripts); c.3753_3754del, p.Asn1252fs (NM_001407646.1, NM_001407647.1); c.3639_3640del, p.Asn1214fs (NM_001407648.1, NM_001407664.1, NM_001407665.1 and 19 more transcripts); c.3636_3637del, p.Asn1213fs (NM_001407649.1, NM_001407670.1, NM_001407671.1 and 11 more transcripts); c.3684_3685del, p.Asn1229fs (NM_001407653.1, NM_001407654.1, NM_001407655.1 and 4 more transcripts); c.3681_3682del, p.Asn1228fs (NM_001407659.1, NM_001407660.1, NM_001407661.1 and 1 more transcripts); and 43 more; short protein forms N1208fs, N1255fs, N1187fs, N1188fs, N1207fs, N1214fs, N1229fs, N387fs.
Identifiers: ClinVar variation 54996 (VCV000054996.6), dbSNP rs80357645, ClinGen allele CA002418.

ClinVar aggregate classification (germline): Pathogenic. Review status: reviewed by expert panel (3 of 4 stars). 4 submissions from 4 submitters: Pathogenic (1). 3 of the submissions do not count toward it. Last evaluated 2016-09-08.

Conditions:
Hereditary cancer-predisposing syndrome. Also called: Hereditary Cancer Syndrome; Hereditary neoplastic syndrome; Neoplastic Syndromes, Hereditary; Tumor predisposition. Identifiers: Orphanet 140162, MedGen C0027672, MeSH D009386, MONDO:0015356.
Breast-ovarian cancer, familial, susceptibility to, 1 (BROVCA1). Also called: BRCA1 Hereditary Breast and Ovarian Cancer; OVARIAN CANCER, SUSCEPTIBILITY TO. Identifiers: Orphanet 145, MedGen C2676676, MONDO:0011450, OMIM 604370. Disease mechanism: loss of function.

Submissions (4):

Evidence-based Network for the Interpretation of Germline Mutant Alleles (ENIGMA)
Classification: Pathogenic for Breast-ovarian cancer, familial, susceptibility to, 1. Last evaluated: 2016-09-08. Review status: reviewed by expert panel. Criteria: ENIGMA BRCA1/2 Classification Criteria (2015). Collection method: curation. Allele origin: germline.
Comment: Variant allele predicted to encode a truncated non-functional protein.

Ambry Genetics
Classification: Pathogenic for Hereditary cancer-predisposing syndrome. Last evaluated: 2026-01-23. Review status: criteria provided, single submitter. Criteria: Ambry Variant Classification Scheme 2023. Collection method: clinical testing. Allele origin: germline. Not counted in ClinVar's aggregate classification.
Comment: The c.3762_3763delGA pathogenic mutation, located in coding exon 9 of the BRCA1 gene, results from a deletion of two nucleotides at nucleotide positions 3762 to 3763, causing a translational frameshift with a predicted alternate stop codon (p.N1255Hfs*11). This variant is considered to be rare based on population cohorts in the Genome Aggregation Database (gnomAD). This variant is expected to result in loss of function by premature protein truncation or nonsense-mediated mRNA decay. As such, this variant is interpreted as a disease-causing mutation.

Consortium of Investigators of Modifiers of BRCA1/2 (CIMBA), c/o University of Cambridge
Classification: Pathogenic for Breast-ovarian cancer, familial, susceptibility to, 1. Last evaluated: 2015-10-02. Review status: criteria provided, single submitter. Criteria: CIMBA Mutation Classification guidelines May 2016. Collection method: clinical testing. Allele origin: germline. Not counted in ClinVar's aggregate classification.

Breast Cancer Information Core (BIC) (BRCA1)
Classification: Pathogenic for Breast-ovarian cancer, familial 1. Review status: no assertion criteria provided. Collection method: clinical testing. Allele origin: germline. Affected: yes. Observed: 1 variant allele. Not counted in ClinVar's aggregate classification.